The following is an entry in ClinVar:

ClinVar aggregate classification (germline): Likely pathogenic. Review status: criteria provided, multiple submitters, no conflicts (2 of 4 stars). 3 submissions from 3 submitters: Likely pathogenic (2). 1 of the submissions does not count toward it. Last evaluated 2024-05-31.

Conditions:
Dilated cardiomyopathy 1G (CMD1G). Identifiers: Orphanet 154, MedGen C1858763, MONDO:0011400, OMIM 604145.
TTN-related disorder. Also called: TTN-related disorders; TTN-related condition; TTN-related disease.
Cardiovascular phenotype. Identifiers: MedGen CN230736.

Submissions (3):

Ambry Genetics
Classification: Likely pathogenic for Cardiovascular phenotype. Last evaluated: 2024-05-31. Review status: criteria provided, single submitter. Criteria: Ambry Variant Classification Scheme 2023. Collection method: clinical testing. Allele origin: germline.
Comment: The p.W15684* variant (also known as c.47051G>A), located in coding exon 153 of the TTN gene, results from a G to A substitution at nucleotide position 47051. This changes the amino acid from a tryptophan to a stop codon within coding exon 153. This exon is located in the A-band region of the N2-B isoform of the titin protein and is constitutively expressed in TTN transcripts (percent spliced in or PSI 100%). This variant is considered to be rare based on population cohorts in the Genome Aggregation Database (gnomAD). This alteration is expected to result in loss of function by premature protein truncation or nonsense-mediated mRNA decay. While truncating variants in TTN are present in 1-3% of the general population, truncating variants in the A-band are the most common cause of dilated cardiomyopathy (DCM) (Herman DS et al. N. Engl. J. Med., 2012 Feb;366:619-28; Roberts AM et al. Sci Transl Med, 2015 Jan;7:270ra6). TTN truncating variants encoded in constitutive exons (PSI >90%) have been found to be significantly associated with DCM regardless of their position in titin (Schafer S et al. Nat. Genet., 2017 01;49:46-53). Based on the majority of available evidence to date, this variant is likely to be pathogenic.

Blueprint Genetics
Classification: Likely pathogenic for TTN-related disorders. Last evaluated: 2019-01-15. Review status: criteria provided, single submitter. Criteria: ACMG Guidelines, 2015. Collection method: clinical testing. Allele origin: germline. Affected: yes. Observed: 1 variant allele.

Cardiogenetics and Myogenetics Molecular and Cellular Functional Unit, Aphp Sorbonne University-Hopital Pitie Salpetriere
Classification: Likely pathogenic for Dilated cardiomyopathy 1G. Last evaluated: 2024-01-06. Review status: no assertion criteria provided. Collection method: clinical testing. Allele origin: germline. Affected: yes. Not counted in ClinVar's aggregate classification.

NM_001267550.2(TTN):c.74246G>A (p.Trp24749Ter)

Genes: TTN (titin; minus strand), TTN-AS1 (TTN antisense RNA 1; plus strand). Cytogenetic location: 2q31.2.
Variant type: single nucleotide variant.
Coding change: c.74246G>A on transcript NM_001267550.2 (MANE Select); coding-DNA position 74246, G replaced by A.
Protein change: p.Trp24749Ter; replaces tryptophan 24749 with a stop codon.
Molecular consequence: nonsense.
Genome position (GRCh38, 1-based): chr2:178,571,886, C>T on the plus strand (G>A on the coding strand, the complement: TTN is on the minus strand). VCF-style: chr2-178571886-C-T. GRCh37 (hg19) VCF-style: chr2-179436613-C-T.
Other names: c.69323G>A, p.Trp23108Ter (NM_001256850.1); c.47051G>A, p.Trp15684Ter (NM_003319.4); c.66542G>A, p.Trp22181Ter (NM_133378.4); c.47426G>A, p.Trp15809Ter (NM_133432.3); c.47627G>A, p.Trp15876Ter (NM_133437.4); short protein forms W24749*, W15684*, W22181*, W23108*, W15876*, W15809*.
Identifiers: ClinVar variation 3330103 (VCV003330103.3).